The following is an entry in ClinVar:

NM_015338.6(ASXL1):c.3317C>T (p.Pro1106Leu)

Gene: ASXL1 (ASXL transcriptional regulator 1; plus strand). Cytogenetic location: 20q11.21.
Variant type: single nucleotide variant.
Coding change: c.3317C>T on transcript NM_015338.6 (MANE Select); coding-DNA position 3317, C replaced by T.
Protein change: p.Pro1106Leu; replaces proline 1106 with leucine.
Molecular consequence: missense variant.
Genome position (GRCh38, 1-based): chr20:32,436,029, C>T. VCF-style: chr20-32436029-C-T. GRCh37 (hg19) VCF-style: chr20-31023832-C-T.
Other names: c.3134C>T, p.Pro1045Leu (NM_001363734.1); short protein forms P1045L, P1106L.
Identifiers: ClinVar variation 3794065 (VCV003794065.1).

ClinVar aggregate classification (germline): Uncertain significance (1 of 4 stars; one submission).

Conditions:
Inborn genetic diseases. Identifiers: MedGen C0950123, MeSH D030342.

Submission:

Ambry Genetics
Classification: Uncertain significance for Inborn genetic diseases. Last evaluated: 2025-03-05. Review status: criteria provided, single submitter. Criteria: Ambry Variant Classification Scheme 2023. Collection method: clinical testing. Allele origin: germline.
Comment: The p.P1106L variant (also known as c.3317C>T), located in coding exon 13 of the ASXL1 gene, results from a C to T substitution at nucleotide position 3317. The proline at codon 1106 is replaced by leucine, an amino acid with similar properties. This amino acid position is conserved. In addition, the in silico prediction for this alteration is inconclusive. Based on the available evidence, the clinical significance of this variant remains unclear.